The following is an entry in ClinVar:

NM_017780.4(CHD7):c.2096+3A>T

Genes: CHD7 (chromodomain helicase DNA binding protein 7; plus strand), LOC126860403 (CDK7 strongly-dependent group 2 enhancer GRCh37_chr8:61693034-61694233; plus strand). Cytogenetic location: 8q12.2.
Variant type: single nucleotide variant.
Coding change: c.2096+3A>T on transcript NM_017780.4 (MANE Select); 3 bases into the intron after coding-DNA position 2096, A replaced by T.
Molecular consequence: intron variant.
Genome position (GRCh38, 1-based): chr8:60,781,433, A>T. VCF-style: chr8-60781433-A-T. GRCh37 (hg19) VCF-style: chr8-61693992-A-T.
Other names: c.1716+383A>T (NM_001316690.1).
Identifiers: ClinVar variation 4074365 (VCV004074365.1).

ClinVar aggregate classification (germline): Uncertain significance (1 of 4 stars; one submission).

Submission:

GeneDx
Classification: Uncertain significance. Last evaluated: 2025-02-05. Review status: criteria provided, single submitter. Criteria: GeneDx Variant Classification Process June 2021. Collection method: clinical testing. Allele origin: germline. Affected: yes.
Comment: Not observed at significant frequency in large population cohorts (gnomAD); Has not been previously published as pathogenic or benign to our knowledge; In silico analysis is inconclusive as to whether the variant alters gene splicing. In the absence of RNA/functional studies, the actual effect of this sequence change is unknown.